The following continues an entry in ClinVar:

NM_000535.7(PMS2):c.86G>C (p.Gly29Ala)

Gene: PMS2. ClinVar aggregate classification (germline): Conflicting classifications of pathogenicity. Uncertain significance (4); Benign (2); Likely benign (13).

Submissions 12 to 25 of 25:

Institute for Clinical Genetics, University Hospital TU Dresden, University Hospital TU Dresden
Classification: Uncertain significance. Last evaluated: 2021-11-03. Review status: criteria provided, single submitter. Criteria: ACMG Guidelines, 2015. Collection method: clinical testing. Allele origin: germline.

Genetic Services Laboratory, University of Chicago
Classification: Likely benign. Last evaluated: 2021-07-08. Review status: criteria provided, single submitter. Criteria: ACMG Guidelines, 2015. Collection method: clinical testing. Allele origin: germline. Affected: no.

Sema4
Classification: Likely benign for Hereditary cancer-predisposing syndrome. Last evaluated: 2021-05-28. Review status: criteria provided, single submitter. Criteria: Sema4 Curation Guidelines. Collection method: curation. Allele origin: germline.

Ambry Genetics
Classification: Likely benign for Hereditary cancer-predisposing syndrome. Last evaluated: 2018-09-01. Review status: criteria provided, single submitter. Criteria: Ambry Variant Classification Scheme 2023. Collection method: clinical testing. Allele origin: germline.

Mendelics
Classification: Uncertain significance for Lynch syndrome. Last evaluated: 2018-07-02. Review status: criteria provided, single submitter. Criteria: Mendelics Assertion Criteria 2017. Collection method: clinical testing. Allele origin: unknown.

Illumina Laboratory Services, Illumina
Classification: Uncertain significance for Lynch syndrome 4. Last evaluated: 2018-01-13. Review status: criteria provided, single submitter. Criteria: ICSL Variant Classification Criteria 13 December 2019. Collection method: clinical testing. Allele origin: germline.

GeneDx
Classification: Likely benign. Last evaluated: 2017-09-27. Review status: criteria provided, single submitter. Criteria: GeneDx Variant Classification (06012015). Collection method: clinical testing. Allele origin: germline. Affected: yes.
Comment: This variant is considered likely benign or benign based on one or more of the following criteria: it is a conservative change, it occurs at a poorly conserved position in the protein, it is predicted to be benign by multiple in silico algorithms, and/or has population frequency not consistent with disease.

Color Diagnostics, LLC DBA Color Health
Classification: Likely benign for Hereditary cancer-predisposing syndrome. Last evaluated: 2015-11-05. Review status: criteria provided, single submitter. Criteria: ACMG Guidelines, 2015. Collection method: clinical testing. Allele origin: germline.

Institute for Biomarker Research, Medical Diagnostic Laboratories, L.L.C.
Classification: Uncertain significance for Hereditary cancer-predisposing syndrome. Last evaluated: 2022-03-22. Review status: no assertion criteria provided. Collection method: clinical testing. Allele origin: germline. Not counted in ClinVar's aggregate classification.

PreventionGenetics, part of Exact Sciences
Classification: Likely benign for PMS2-related condition. Last evaluated: 2019-06-11. Review status: no assertion criteria provided. Collection method: clinical testing. Allele origin: germline. Not counted in ClinVar's aggregate classification.
Comment: This variant is classified as likely benign based on ACMG/AMP sequence variant interpretation guidelines (Richards et al. 2015 PMID: 25741868, with internal and published modifications).

ITMI
No classification provided. Condition: AllHighlyPenetrant. Last evaluated: 2013-09-19. Review status: no classification provided. Collection method: reference population. Allele origin: germline. Not counted in ClinVar's aggregate classification.
Comment: Please see associated publication for description of ethnicities

Biesecker Lab/Clinical Genomics Section, National Institutes of Health
Classification: Uncertain significance. Last evaluated: 2012-07-13. Review status: no assertion criteria provided. Collection method: research. Allele origin: germline. Affected: no. Observed: 4 variant alleles. Study: ClinSeq. Not counted in ClinVar's aggregate classification.
ClinVar note: Converted during submission from variant of unknown significance to Uncertain significance.

Department of Pathology and Laboratory Medicine, Sinai Health System
Classification: Uncertain significance. Review status: no assertion criteria provided. Collection method: clinical testing. Allele origin: unknown. Affected: yes. Observed: 4 variant alleles. Study: The Canadian Open Genetics Repository (COGR). Not counted in ClinVar's aggregate classification.
Comment: The PMS2 p.Gly29Ala variant was identified 2 exome sequencing studies looking at cancer susceptibility genes in subjects of preterm birth or atherosclerotic phenotype, being observed in 5 of 2506 proband chromosomes (frequency 0.002) (Johnston 2012, Bodian 2014). The variant was also identified in dbSNP (ID: rs146176004) â€šÃ„ÃºWith other alleleâ€šÃ„Ã¹, ClinVar (with conflicting interpretations of pathogenicity, submitters: likely benign by GeneDx, Invitae, Ambry Genetics; uncertain significance by Illumina and Biesecker Lab/Human Development Section-NIH; and classification not provided by ITMI), Clinvitae (4x), and Insight Hereditary Tumors Database (3x); but was not identified in the Genesight-COGR, Cosmic, Insight Colon Cancer Gene Variant Database, Zhejiang Colon Cancer Database, Mismatch Repair Genes Variant Database. The variant was identified in control databases in 160 (1 homozygous) of 271376 chromosomes at a frequency of 0.0006 increasing the likelihood this could be a low frequency benign variant (Genome Aggregation Consortium Feb 27, 2017), identified in the following populations: African in 1 of 22874 chromosomes (frequency: 0.00004), Other in 9 of 6380 chromosomes (frequency: 0.001), Latino in 3 of 34310 chromosomes (frequency: 0.00009),European Non-Finnish in 63 (1 homozyogus) of 122742 chromosomes (frequency: 0.0005),European Finnish in 13 of 25778 chromosomes (frequency: 0.0005),Ashkenazi Jewish in 62 of 9996 chromosomes (frequency: 0.006), and South Asian in 9 of 30552 chromosomes (frequency: 0.0003). The p.Gly29 residue is conserved across mammals and other organisms, and computational analyses (PolyPhen-2, SIFT, AlignGVGD, BLOSUM, MutationTaster) suggest that the variant may impact the protein; however, this information is not predictive enough to assume pathogenicity. The variant occurs outside of the splicing consensus sequence and 2 of 5 in silico or computational prediction software programs (SpliceSiteFinder, MaxEntScan, NNSPLICE, GeneSplicer, HumanSpliceFinder) predict a greater than 10% difference in splicing; this is not very predictive of pathogenicity. In summary, based on the above information the clinical significance of this variant cannot be determined with certainty at this time. This variant is classified as a variant of uncertain significance.

Dr. Peter K. Rogan Lab, Western University
No classification provided (evidence only). Condition: Cervical cancer. Review status: no classification provided. Collection method: in vitro. Allele origin: not applicable. Functional consequence: retained intron. Not counted in ClinVar's aggregate classification.

Literature cited by the submitters: PubMed 24728327 (cited by Women's Health and Genetics/Laboratory Corporation of America, LabCorp and ITMI); PubMed 25503501 (cited by Women's Health and Genetics/Laboratory Corporation of America, LabCorp); PubMed 25856668 (cited by Women's Health and Genetics/Laboratory Corporation of America, LabCorp and Ambry Genetics); PubMed 26898890 (cited by Women's Health and Genetics/Laboratory Corporation of America, LabCorp); PubMed 26976419 (cited by Women's Health and Genetics/Laboratory Corporation of America, LabCorp); PubMed 27621404 (cited by Women's Health and Genetics/Laboratory Corporation of America, LabCorp); PubMed 28135145 (cited by Women's Health and Genetics/Laboratory Corporation of America, LabCorp); PubMed 26580448 (cited by Women's Health and Genetics/Laboratory Corporation of America, LabCorp); PubMed 29945567 (cited by Women's Health and Genetics/Laboratory Corporation of America, LabCorp); PubMed 28726808 (cited by Women's Health and Genetics/Laboratory Corporation of America, LabCorp); PubMed 30447919 (cited by Women's Health and Genetics/Laboratory Corporation of America, LabCorp); PubMed 31391288 (cited by Women's Health and Genetics/Laboratory Corporation of America, LabCorp); PubMed 34284872 (cited by Women's Health and Genetics/Laboratory Corporation of America, LabCorp).